The following is an entry in ClinVar:

NM_000124.4(ERCC6):c.2395C>T (p.Leu799Phe)

Gene: ERCC6 (ERCC excision repair 6, chromatin remodeling factor; minus strand). Cytogenetic location: 10q11.23.
Variant type: single nucleotide variant.
Coding change: c.2395C>T on transcript NM_000124.4 (MANE Select); coding-DNA position 2395, C replaced by T.
Protein change: p.Leu799Phe; replaces leucine 799 with phenylalanine.
Molecular consequence: missense variant.
Genome position (GRCh38, 1-based): chr10:49,474,230, G>A on the plus strand (C>T on the coding strand, the complement: ERCC6 is on the minus strand). VCF-style: chr10-49474230-G-A. GRCh37 (hg19) VCF-style: chr10-50682276-G-A.
Other names: c.2395C>T, p.Leu799Phe (NM_001346440.2); c.2395C>T (NM_000124.2); short protein forms L799F.
Identifiers: ClinVar variation 1474650 (VCV001474650.4), dbSNP rs181838986, ClinGen allele CA5495650.

ClinVar aggregate classification (germline): Uncertain significance. Review status: criteria provided, multiple submitters, no conflicts (2 of 4 stars). 2 submissions from 2 submitters: Uncertain significance (2). Last evaluated 2024-01-09.

Conditions:
Inborn genetic diseases. Identifiers: MedGen C0950123, MeSH D030342.

Allele frequency attached by ClinVar (database versions not stated): ExAC 0.00004; gnomAD 0.00009 and 0.00011; gnomAD exomes 0.00009; TOPMed 0.00010; 1000 Genomes Project 0.00020; 1000 Genomes Project 30x 0.00031.
gnomAD v4.1: 57 of 1,613,876 alleles (0.0035%); highest among the groups gnomAD compares: Admixed American, 0.088%; 1 homozygote.

Submissions (2):

Ambry Genetics
Classification: Uncertain significance for Inborn genetic diseases. Last evaluated: 2024-01-09. Review status: criteria provided, single submitter. Criteria: Ambry Variant Classification Scheme 2023. Collection method: clinical testing. Allele origin: germline.

Labcorp Genetics (formerly Invitae), Labcorp
Classification: Uncertain significance. Last evaluated: 2022-08-09. Review status: criteria provided, single submitter. Criteria: Invitae Variant Classification Sherloc (09022015). Collection method: clinical testing. Allele origin: germline.
Comment: This sequence change replaces leucine, which is neutral and non-polar, with phenylalanine, which is neutral and non-polar, at codon 799 of the ERCC6 protein (p.Leu799Phe). This variant is present in population databases (rs181838986, gnomAD 0.07%). This variant has not been reported in the literature in individuals affected with ERCC6-related conditions. ClinVar contains an entry for this variant (Variation ID: 1474650). Algorithms developed to predict the effect of missense changes on protein structure and function are either unavailable or do not agree on the potential impact of this missense change (SIFT: "Deleterious"; PolyPhen-2: "Possibly Damaging"; Align-GVGD: "Class C15"). In summary, the available evidence is currently insufficient to determine the role of this variant in disease. Therefore, it has been classified as a Variant of Uncertain Significance.